The following is an entry in ClinVar:

NM_015602.4(TOR1AIP1):c.1203_1204delinsTT (p.His402Tyr)

Gene: TOR1AIP1 (torsin 1A interacting protein 1; plus strand). Cytogenetic location: 1q25.2.
Variant type: Indel.
Coding change: c.1203_1204delinsTT on transcript NM_015602.4 (MANE Select); coding-DNA positions 1203 to 1204, CC replaced by TT.
Protein change: p.His402Tyr; replaces histidine 402 with tyrosine.
Molecular consequence: missense variant.
Genome position (GRCh38, 1-based): chr1:179,917,690-179,917,691, CC replaced by TT. VCF-style: chr1-179917690-CC-TT. GRCh37 (hg19) VCF-style: chr1-179886825-CC-TT.
Other names: c.1206_1207delinsTT, p.His403Tyr (NM_001267578.2); short protein forms H402Y, H403Y.
Identifiers: ClinVar variation 1314274 (VCV001314274.2), dbSNP rs2148484131, ClinGen allele CA2573051433.

ClinVar aggregate classification (germline): Uncertain significance (1 of 4 stars; one submission).

Submission:

GeneDx
Classification: Uncertain significance. Last evaluated: 2021-03-30. Review status: criteria provided, single submitter. Criteria: GeneDx Variant Classification Process June 2021. Collection method: clinical testing. Allele origin: germline. Affected: yes.
Comment: Not observed at a significant frequency in large population cohorts (Lek et al., 2016); In silico analysis supports a deleterious effect on protein structure/function; Has not been previously published as pathogenic or benign to our knowledge